The following is an entry in ClinVar:

ClinVar aggregate classification (germline): Pathogenic. Review status: reviewed by expert panel (3 of 4 stars). 5 submissions from 5 submitters: Pathogenic (1). 4 of the submissions do not count toward it. Last evaluated 2016-09-08.

Conditions:
Hereditary cancer-predisposing syndrome. Also called: Tumor predisposition; Neoplastic Syndromes, Hereditary; Hereditary neoplastic syndrome; Hereditary Cancer Syndrome. Identifiers: Orphanet 140162, MedGen C0027672, MeSH D009386, MONDO:0015356.
Hereditary breast ovarian cancer syndrome. Also called: Hereditary breast and ovarian cancer; Hereditary breast and ovarian cancer syndrome (HBOC); Hereditary breast and/or ovarian cancer syndrome; Breast and ovarian cancer; Hereditary breast and ovarian cancer syndrome; BRCA1- and BRCA2-Associated Hereditary Breast and Ovarian Cancer. Identifiers: Orphanet 145, MedGen C0677776, MeSH D061325, MONDO:0003582. Disease mechanism: loss of function.
Breast-ovarian cancer, familial, susceptibility to, 2 (BROVCA2). Also called: BRCA2 Hereditary Breast and Ovarian Cancer. Identifiers: Orphanet 145, MedGen C2675520, MONDO:0012933, OMIM 612555. Disease mechanism: loss of function.

Submissions (5):

Evidence-based Network for the Interpretation of Germline Mutant Alleles (ENIGMA)
Classification: Pathogenic for Breast-ovarian cancer, familial, susceptibility to, 2. Last evaluated: 2016-09-08. Review status: reviewed by expert panel. Criteria: ENIGMA BRCA1/2 Classification Criteria (2015). Collection method: curation. Allele origin: germline.
Comment: Variant allele predicted to encode a truncated non-functional protein.

Color Diagnostics, LLC DBA Color Health
Classification: Pathogenic for Hereditary cancer-predisposing syndrome. Last evaluated: 2020-11-18. Review status: criteria provided, single submitter. Criteria: ACMG Guidelines, 2015. Collection method: clinical testing. Allele origin: germline. Not counted in ClinVar's aggregate classification.
Comment: This variant changes 1 nucleotide in exon 11 of the BRCA2 gene, creating a premature translation stop signal. This variant is expected to result in an absent or non-functional protein product. To our knowledge, this variant has not been reported in individuals affected with hereditary cancer in the literature. This variant has not been identified in the general population by the Genome Aggregation Database (gnomAD). Loss of BRCA2 function is a known mechanism of disease. The available evidence is insufficient to determine the role of this variant in disease conclusively. Therefore, this variant is classified as Pathogenic.

Labcorp Genetics (formerly Invitae), Labcorp
Classification: Pathogenic for Hereditary breast ovarian cancer syndrome. Last evaluated: 2020-11-03. Review status: criteria provided, single submitter. Criteria: Invitae Variant Classification Sherloc (09022015). Collection method: clinical testing. Allele origin: germline. Not counted in ClinVar's aggregate classification.
Comment: For these reasons, this variant has been classified as Pathogenic. Loss-of-function variants in BRCA2 are known to be pathogenic (PMID: 20104584). This variant has been observed in individual(s) undergoing testing for hereditary breast and/or ovarian cancer (PMID: 29446198). ClinVar contains an entry for this variant (Variation ID: 37884). This variant is not present in population databases (ExAC no frequency). This sequence change creates a premature translational stop signal (p.Leu1384*) in the BRCA2 gene. It is expected to result in an absent or disrupted protein product.

Consortium of Investigators of Modifiers of BRCA1/2 (CIMBA), c/o University of Cambridge
Classification: Pathogenic for Breast-ovarian cancer, familial, susceptibility to, 2. Last evaluated: 2015-10-02. Review status: criteria provided, single submitter. Criteria: CIMBA Mutation Classification guidelines May 2016. Collection method: clinical testing. Allele origin: germline. Not counted in ClinVar's aggregate classification.

Sharing Clinical Reports Project (SCRP)
Classification: Pathogenic for Breast-ovarian cancer, familial 2. Last evaluated: 2010-11-15. Review status: no assertion criteria provided. Collection method: clinical testing. Allele origin: germline. Not counted in ClinVar's aggregate classification.

Literature cited by the submitters: PubMed 20104584 (cited by Labcorp Genetics (formerly Invitae), Labcorp); PubMed 29446198 (cited by Labcorp Genetics (formerly Invitae), Labcorp).

NM_000059.4(BRCA2):c.4151T>A (p.Leu1384Ter)

Gene: BRCA2 (BRCA2 DNA repair associated; plus strand). Cytogenetic location: 13q13.1.
Variant type: single nucleotide variant.
Coding change: c.4151T>A on transcript NM_000059.4 (MANE Select); coding-DNA position 4151, T replaced by A.
Protein change: p.Leu1384Ter; replaces leucine 1384 with a stop codon.
Molecular consequence: nonsense.
Genome position (GRCh38, 1-based): chr13:32,338,506, T>A. VCF-style: chr13-32338506-T-A. GRCh37 (hg19) VCF-style: chr13-32912643-T-A.
Other names: 4379T>A; short protein forms L1384*.
Identifiers: ClinVar variation 37884 (VCV000037884.14), dbSNP rs397507325, ClinGen allele CA019626.